The following is an entry in ClinVar:

NM_002900.3(RBP3):c.773G>A (p.Arg258Gln)

Gene: RBP3 (retinol binding protein 3; plus strand). Cytogenetic location: 10q11.22.
Variant type: single nucleotide variant.
Coding change: c.773G>A on transcript NM_002900.3 (MANE Select); coding-DNA position 773, G replaced by A.
Protein change: p.Arg258Gln; replaces arginine 258 with glutamine.
Molecular consequence: missense variant.
Genome position (GRCh38, 1-based): chr10:47,349,257, G>A. VCF-style: chr10-47349257-G-A. GRCh37 (hg19) VCF-style: chr10-48390105-C-T.
Other names: short protein forms R258Q.
Identifiers: ClinVar variation 943480 (VCV000943480.11), dbSNP rs782333697, ClinGen allele CA5487697.
Genomic context (GRCh38, chr10:47,349,257, plus strand): 5'-TGGCCGAGGACATCGCGCACATCCTTAAGCAGATGCGCAGGGCCATCGTGGTGGGCGAGC[G>A]GACTGGGGGAGGGGCCCTGGACCTCCGGAAGCTGAGGATAGGCGAGTCTGACTTCTTCTT-3'
Protein context (NP_002891.1, residues 248-268): QMRRAIVVGE[Arg258Gln]TGGGALDLRK

ClinVar aggregate classification (germline): Uncertain significance. Review status: criteria provided, multiple submitters, no conflicts (2 of 4 stars). 3 submissions from 3 submitters: Uncertain significance (3). Last evaluated 2025-11-13.

Conditions:
Inborn genetic diseases. Identifiers: MedGen C0950123, MeSH D030342.

Allele frequency attached by ClinVar (database versions not stated): ExAC 0.00001; gnomAD exomes 0.00003; gnomAD 0.00010 and 0.00011; TOPMed 0.00017.

Submissions (3):

Ambry Genetics
Classification: Uncertain significance for Inborn genetic diseases. Last evaluated: 2025-11-13. Review status: criteria provided, single submitter. Criteria: Ambry Variant Classification Scheme 2023. Collection method: clinical testing. Allele origin: germline.

Labcorp Genetics (formerly Invitae), Labcorp
Classification: Uncertain significance. Last evaluated: 2024-02-24. Review status: criteria provided, single submitter. Criteria: Invitae Variant Classification Sherloc (09022015). Collection method: clinical testing. Allele origin: germline.
Comment: This sequence change replaces arginine, which is basic and polar, with glutamine, which is neutral and polar, at codon 258 of the RBP3 protein (p.Arg258Gln). This variant is present in population databases (rs782333697, gnomAD 0.02%). This variant has not been reported in the literature in individuals affected with RBP3-related conditions. ClinVar contains an entry for this variant (Variation ID: 943480). Algorithms developed to predict the effect of missense changes on protein structure and function output the following: SIFT: "Not Available"; PolyPhen-2: "Probably Damaging"; Align-GVGD: "Not Available". The glutamine amino acid residue is found in multiple mammalian species, which suggests that this missense change does not adversely affect protein function. In summary, the available evidence is currently insufficient to determine the role of this variant in disease. Therefore, it has been classified as a Variant of Uncertain Significance.

Blueprint Genetics
Classification: Uncertain significance. Last evaluated: 2023-10-20. Review status: criteria provided, single submitter. Criteria: ACMG Guidelines, 2015. Collection method: clinical testing. Allele origin: germline.